The following is an entry in ClinVar:

ClinVar aggregate classification (germline): Uncertain significance (1 of 4 stars; one submission).

Conditions:
Nephronophthisis. Also called: Juvenile Nephronophthisis. Identifiers: Orphanet 655, MedGen C0687120, MONDO:0019005, HP:0000090.

Submission:

Labcorp Genetics (formerly Invitae), Labcorp
Classification: Uncertain significance for Nephronophthisis. Last evaluated: 2022-07-29. Review status: criteria provided, single submitter. Criteria: Invitae Variant Classification Sherloc (09022015). Collection method: clinical testing. Allele origin: germline.
Comment: Algorithms developed to predict the effect of missense changes on protein structure and function are either unavailable or do not agree on the potential impact of this missense change (SIFT: "Deleterious"; PolyPhen-2: "Probably Damaging"; Align-GVGD: "Class C0"). In summary, the available evidence is currently insufficient to determine the role of this variant in disease. Therefore, it has been classified as a Variant of Uncertain Significance. This variant is not present in population databases (gnomAD no frequency). This sequence change replaces histidine, which is basic and polar, with aspartic acid, which is acidic and polar, at codon 86 of the INVS protein (p.His86Asp). This variant has not been reported in the literature in individuals affected with INVS-related conditions.

NM_014425.5(INVS):c.256C>G (p.His86Asp)

Gene: INVS (inversin; plus strand). Cytogenetic location: 9q31.1.
Variant type: single nucleotide variant.
Coding change: c.256C>G on transcript NM_014425.5 (MANE Select); coding-DNA position 256, C replaced by G.
Protein change: p.His86Asp; replaces histidine 86 with aspartic acid.
Molecular consequence: missense variant. On other transcripts: 5 prime UTR variant (2), non-coding transcript variant (1).
Genome position (GRCh38, 1-based): chr9:100,126,532, C>G. VCF-style: chr9-100126532-C-G. GRCh37 (hg19) VCF-style: chr9-102888814-C-G.
Other names: c.-121C>G (NM_001318381.2); c.-734C>G (NM_001318382.2); short protein forms H86D.
Identifiers: ClinVar variation 2116766 (VCV002116766.4), dbSNP rs2490877933, ClinGen allele CA374361048.